The following is an entry in ClinVar:

NM_015030.2(FRYL):c.8156G>C (p.Arg2719Thr)

Gene: FRYL (FRY like transcription coactivator; minus strand). Cytogenetic location: 4p11.
Variant type: single nucleotide variant.
Coding change: c.8156G>C on transcript NM_015030.2 (MANE Select); coding-DNA position 8156, G replaced by C.
Protein change: p.Arg2719Thr; replaces arginine 2719 with threonine.
Molecular consequence: missense variant.
Genome position (GRCh38, 1-based): chr4:48,510,974, C>G on the plus strand (G>C on the coding strand, the complement: FRYL is on the minus strand). VCF-style: chr4-48510974-C-G. GRCh37 (hg19) VCF-style: chr4-48512991-C-G.
Other names: short protein forms R2719T.
Identifiers: ClinVar variation 5002907 (VCV005002907.1).

ClinVar aggregate classification (germline): Uncertain significance (1 of 4 stars; one submission).

Submission:

OLLIN Analises Genomicas, OLLIN
Classification: Uncertain significance. Last evaluated: 2026-08-06. Review status: criteria provided, single submitter. Criteria: ACMG Guidelines 2015 PMID 25741868. Collection method: clinical testing. Allele origin: germline.
Comment: This missense variant, located in exon 58 (of 64), is absent from gnomAD and ClinVar and has not been identified in the literature. In silico analysis predicts that this variant has a tolerated effect. According to the currently available evidence, this variant has been classified as uncertain significance (PM2_P, BP4_M).